The following is an entry in ClinVar:

NM_004370.6(COL12A1):c.5011T>C (p.Phe1671Leu)

Gene: COL12A1 (collagen type XII alpha 1 chain; minus strand). Cytogenetic location: 6q13.
Variant type: single nucleotide variant.
Coding change: c.5011T>C on transcript NM_004370.6 (MANE Select); coding-DNA position 5011, T replaced by C.
Protein change: p.Phe1671Leu; replaces phenylalanine 1671 with leucine.
Molecular consequence: missense variant.
Genome position (GRCh38, 1-based): chr6:75,138,908, A>G on the plus strand (T>C on the coding strand, the complement: COL12A1 is on the minus strand). VCF-style: chr6-75138908-A-G. GRCh37 (hg19) VCF-style: chr6-75848624-A-G.
Other names: c.5011T>C (NM_004370.5); c.1519T>C, p.Phe507Leu (NM_080645.3); short protein forms F1671L, F507L.
Identifiers: ClinVar variation 1011628 (VCV001011628.11), dbSNP rs1766757762, ClinGen allele CA364739871.

ClinVar aggregate classification (germline): Uncertain significance. Review status: criteria provided, multiple submitters, no conflicts (2 of 4 stars). 3 submissions from 3 submitters: Uncertain significance (3). Last evaluated 2025-10-30.

Conditions:
Inborn genetic diseases. Identifiers: MedGen C0950123, MeSH D030342.
Ullrich congenital muscular dystrophy 2 (UCMD2). Identifiers: Orphanet 75840, MedGen C4225314, MONDO:0014654, OMIM 616470.
Bethlem myopathy 2 (BTHLM2). Identifiers: Orphanet 536516, Orphanet 610, MedGen C4225313, MONDO:0034022, OMIM 616471.

Allele frequency attached by ClinVar (database versions not stated): TOPMed below 0.00001.

Submissions (3):

Women's Health and Genetics/Laboratory Corporation of America, LabCorp
Classification: Uncertain significance. Last evaluated: 2025-10-30. Review status: criteria provided, single submitter. Criteria: LabCorp Variant Classification Summary - May 2015. Collection method: clinical testing. Allele origin: germline.
Comment: Variant summary: COL12A1 c.5011T>C (p.Phe1671Leu) results in a non-conservative amino acid change located in the von Willebrand factor (vWF) type A domain (IPR002035) of the encoded protein sequence. Algorithms developed to predict the effect of missense changes on protein structure and function are either unavailable or do not agree on the potential impact of this missense change. The variant was absent in 248878 control chromosomes. The available data on variant occurrences in the general population are insufficient to allow any conclusion about variant significance. To our knowledge, no occurrence of c.5011T>C in individuals affected with COL12A1-related conditions and no experimental evidence demonstrating its impact on protein function have been reported. ClinVar contains an entry for this variant (Variation ID: 1011628). Based on the evidence outlined above, the variant was classified as uncertain significance.

Ambry Genetics
Classification: Uncertain significance for Inborn genetic diseases. Last evaluated: 2025-02-09. Review status: criteria provided, single submitter. Criteria: Ambry Variant Classification Scheme 2023. Collection method: clinical testing. Allele origin: germline.

Labcorp Genetics (formerly Invitae), Labcorp
Classification: Uncertain significance for Bethlem myopathy 2; Ullrich congenital muscular dystrophy 2. Last evaluated: 2024-05-02. Review status: criteria provided, single submitter. Criteria: Invitae Variant Classification Sherloc (09022015). Collection method: clinical testing. Allele origin: germline.
Comment: This sequence change replaces phenylalanine, which is neutral and non-polar, with leucine, which is neutral and non-polar, at codon 1671 of the COL12A1 protein (p.Phe1671Leu). This variant is not present in population databases (gnomAD no frequency). This variant has not been reported in the literature in individuals affected with COL12A1-related conditions. ClinVar contains an entry for this variant (Variation ID: 1011628). Advanced modeling of protein sequence and biophysical properties (such as structural, functional, and spatial information, amino acid conservation, physicochemical variation, residue mobility, and thermodynamic stability) performed at Invitae indicates that this missense variant is not expected to disrupt COL12A1 protein function with a negative predictive value of 80%. In summary, the available evidence is currently insufficient to determine the role of this variant in disease. Therefore, it has been classified as a Variant of Uncertain Significance.